The following is an entry in ClinVar:

NM_001197104.2(KMT2A):c.2030G>T (p.Arg677Leu)

Gene: KMT2A (lysine methyltransferase 2A; plus strand). Cytogenetic location: 11q23.3.
Variant type: single nucleotide variant.
Coding change: c.2030G>T on transcript NM_001197104.2 (MANE Select); coding-DNA position 2030, G replaced by T.
Protein change: p.Arg677Leu; replaces arginine 677 with leucine.
Molecular consequence: missense variant.
Genome position (GRCh38, 1-based): chr11:118,473,189, G>T. VCF-style: chr11-118473189-G-T. GRCh37 (hg19) VCF-style: chr11-118343904-G-T.
Other names: c.2129G>T, p.Arg710Leu (NM_001412597.1); c.2030G>T, p.Arg677Leu (NM_005933.4); short protein forms R677L, R710L.
Identifiers: ClinVar variation 1993328 (VCV001993328.25), dbSNP rs781995666, ClinGen allele CA382812148.

ClinVar aggregate classification (germline): Uncertain significance. Review status: criteria provided, multiple submitters, no conflicts (2 of 4 stars). 2 submissions from 2 submitters: Uncertain significance (2). Last evaluated 2024-02-18.

gnomAD v4.1: 1 of 1,613,808 alleles (0.000062%); highest among the groups gnomAD compares: Non-Finnish European, 0.000085%; no homozygotes.

Submissions (2):

Labcorp Genetics (formerly Invitae), Labcorp
Classification: Uncertain significance. Last evaluated: 2024-02-18. Review status: criteria provided, single submitter. Criteria: Invitae Variant Classification Sherloc (09022015). Collection method: clinical testing. Allele origin: germline.
Comment: This sequence change replaces arginine, which is basic and polar, with leucine, which is neutral and non-polar, at codon 677 of the KMT2A protein (p.Arg677Leu). This variant is not present in population databases (gnomAD no frequency). This variant has not been reported in the literature in individuals affected with KMT2A-related conditions. ClinVar contains an entry for this variant (Variation ID: 1993328). Advanced modeling of protein sequence and biophysical properties (such as structural, functional, and spatial information, amino acid conservation, physicochemical variation, residue mobility, and thermodynamic stability) has been performed at Invitae for this missense variant, however the output from this modeling did not meet the statistical confidence thresholds required to predict the impact of this variant on KMT2A protein function. In summary, the available evidence is currently insufficient to determine the role of this variant in disease. Therefore, it has been classified as a Variant of Uncertain Significance.

CeGaT Center for Human Genetics Tuebingen
Classification: Uncertain significance. Last evaluated: 2024-02-01. Review status: criteria provided, single submitter. Criteria: CeGaT Center For Human Genetics Tuebingen Variant Classification Criteria Version 2. Collection method: clinical testing. Allele origin: germline. Affected: yes. Observed: 1 variant allele.
Comment: KMT2A: PM2